The following is an entry in ClinVar:

NM_001085411.3(NADK2):c.613G>A (p.Ala205Thr)

Gene: NADK2 (NAD kinase 2, mitochondrial; minus strand). Cytogenetic location: 5p13.2.
Variant type: single nucleotide variant.
Coding change: c.613G>A on transcript NM_001085411.3 (MANE Select); coding-DNA position 613, G replaced by A.
Protein change: p.Ala205Thr; replaces alanine 205 with threonine.
Molecular consequence: missense variant.
Genome position (GRCh38, 1-based): chr5:36,219,627, C>T on the plus strand (G>A on the coding strand, the complement: NADK2 is on the minus strand). VCF-style: chr5-36219627-C-T. GRCh37 (hg19) VCF-style: chr5-36219729-C-T.
Other names: c.124G>A, p.Ala42Thr (NM_001287340.2, NM_001287341.2, NM_153013.5); short protein forms A205T, A42T.
Identifiers: ClinVar variation 1389274 (VCV001389274.8), dbSNP rs2112139179, ClinGen allele CA359455536.

ClinVar aggregate classification (germline): Uncertain significance (1 of 4 stars; one submission).

Conditions:
Progressive encephalopathy with leukodystrophy due to DECR deficiency. Identifiers: Orphanet 431361, MedGen C1857252, MONDO:0014464, OMIM 616034.

Submission:

Labcorp Genetics (formerly Invitae), Labcorp
Classification: Uncertain significance for Progressive encephalopathy with leukodystrophy due to DECR deficiency. Last evaluated: 2020-11-14. Review status: criteria provided, single submitter. Criteria: Invitae Variant Classification Sherloc (09022015). Collection method: clinical testing. Allele origin: germline.
Comment: Algorithms developed to predict the effect of missense changes on protein structure and function are either unavailable or do not agree on the potential impact of this missense change (SIFT: "Deleterious"; PolyPhen-2: "Probably Damaging"; Align-GVGD: "Class C0"). In summary, the available evidence is currently insufficient to determine the role of this variant in disease. Therefore, it has been classified as a Variant of Uncertain Significance. This variant has not been reported in the literature in individuals with NADK2-related conditions. This sequence change replaces alanine with threonine at codon 205 of the NADK2 protein (p.Ala205Thr). The alanine residue is highly conserved and there is a small physicochemical difference between alanine and threonine. This variant is not present in population databases (ExAC no frequency).